The following is an entry in ClinVar:

ClinVar aggregate classification (germline): Uncertain significance (1 of 4 stars; one submission).

Conditions:
Hereditary cancer-predisposing syndrome. Also called: Hereditary Cancer Syndrome; Neoplastic Syndromes, Hereditary; Tumor predisposition; Hereditary neoplastic syndrome. Identifiers: Orphanet 140162, MedGen C0027672, MeSH D009386, MONDO:0015356.

Allele frequency attached by ClinVar (database versions not stated): gnomAD exomes below 0.00001; TOPMed 0.00001; gnomAD 0.00002.
gnomAD v4.1: 4 of 1,613,786 alleles (0.00025%); highest among the groups gnomAD compares: South Asian, 0.0011%; no homozygotes.

Submission:

Ambry Genetics
Classification: Uncertain significance for Hereditary cancer-predisposing syndrome. Last evaluated: 2025-05-17. Review status: criteria provided, single submitter. Criteria: Ambry Variant Classification Scheme 2023. Collection method: clinical testing. Allele origin: germline.
Comment: The p.S370N variant (also known as c.1109G>A), located in coding exon 10 of the MRE11A gene, results from a G to A substitution at nucleotide position 1109. The serine at codon 370 is replaced by asparagine, an amino acid with highly similar properties. This amino acid position is well conserved in available vertebrate species. In addition, this alteration is predicted to be tolerated by in silico analysis. Since supporting evidence is limited at this time, the clinical significance of this alteration remains unclear.

NM_005591.4(MRE11):c.1109G>A (p.Ser370Asn)

Gene: MRE11 (MRE11 double strand break repair nuclease; minus strand). Cytogenetic location: 11q21.
Variant type: single nucleotide variant.
Coding change: c.1109G>A on transcript NM_005591.4 (MANE Select); coding-DNA position 1109, G replaced by A.
Protein change: p.Ser370Asn; replaces serine 370 with asparagine.
Molecular consequence: missense variant.
Genome position (GRCh38, 1-based): chr11:94,464,229, C>T on the plus strand (G>A on the coding strand, the complement: MRE11 is on the minus strand). VCF-style: chr11-94464229-C-T. GRCh37 (hg19) VCF-style: chr11-94197395-C-T.
Other names: c.1109G>A, p.Ser370Asn (NM_001330347.2, NM_005590.4); short protein forms S370N.
Identifiers: ClinVar variation 479766 (VCV000479766.7), dbSNP rs1343465167, ClinGen allele CA382373054.